The following is an entry in ClinVar:

ClinVar aggregate classification (germline): Uncertain significance (1 of 4 stars; one submission).

Conditions:
Gorlin syndrome. Also called: Basal cell nevus syndrome; Nevoid Basal Cell Carcinoma Syndrome. Identifiers: Orphanet 377, MedGen C0004779, MONDO:0007187.

Submission:

Labcorp Genetics (formerly Invitae), Labcorp
Classification: Uncertain significance for Gorlin syndrome. Last evaluated: 2023-10-16. Review status: criteria provided, single submitter. Criteria: Invitae Variant Classification Sherloc (09022015). Collection method: clinical testing. Allele origin: germline.
Comment: This sequence change replaces phenylalanine, which is neutral and non-polar, with valine, which is neutral and non-polar, at codon 495 of the PTCH1 protein (p.Phe495Val). This variant is not present in population databases (gnomAD no frequency). This variant has not been reported in the literature in individuals affected with PTCH1-related conditions. Advanced modeling of protein sequence and biophysical properties (such as structural, functional, and spatial information, amino acid conservation, physicochemical variation, residue mobility, and thermodynamic stability) performed at Invitae indicates that this missense variant is not expected to disrupt PTCH1 protein function. In summary, the available evidence is currently insufficient to determine the role of this variant in disease. Therefore, it has been classified as a Variant of Uncertain Significance.

NM_000264.5(PTCH1):c.1483T>G (p.Phe495Val)

Gene: PTCH1 (patched 1; minus strand). Cytogenetic location: 9q22.32.
Variant type: single nucleotide variant.
Coding change: c.1483T>G on transcript NM_000264.5 (MANE Select); coding-DNA position 1483, T replaced by G.
Protein change: p.Phe495Val; replaces phenylalanine 495 with valine.
Molecular consequence: missense variant. On other transcripts: non-coding transcript variant (1), intron variant (1).
Genome position (GRCh38, 1-based): chr9:95,477,567, A>C on the plus strand (T>G on the coding strand, the complement: PTCH1 is on the minus strand). VCF-style: chr9-95477567-A-C. GRCh37 (hg19) VCF-style: chr9-98239849-A-C.
Other names: c.1285T>G, p.Phe429Val (NM_001083602.3); c.1480T>G, p.Phe494Val (NM_001083603.3); c.1030T>G, p.Phe344Val (NM_001083604.3, NM_001083605.3, NM_001083606.3 and 1 more transcripts); c.1347+488T>G (NM_001354918.2); short protein forms F344V, F494V, F495V, F429V.
Identifiers: ClinVar variation 2913742 (VCV002913742.3), dbSNP rs1273841207, ClinGen allele CA374118414.